The following is an entry in ClinVar:

ClinVar aggregate classification (germline): Uncertain significance (1 of 4 stars; one submission).

Conditions:
ABCB11-related disorder. Also called: ABCB11-related condition.

Submission:

PreventionGenetics, part of Exact Sciences
Classification: Uncertain significance for ABCB11-related condition. Last evaluated: 2023-05-09. Review status: criteria provided, single submitter. Criteria: ACMG Guidelines, 2015. Collection method: clinical testing. Allele origin: germline.
Comment: The ABCB11 c.1000T>G variant is predicted to result in the amino acid substitution p.Phe334Val. To our knowledge, this variant has not been reported in the literature or in a large population database, indicating this variant is rare. At this time, the clinical significance of this variant is uncertain due to the absence of conclusive functional and genetic evidence.

NM_003742.4(ABCB11):c.1000T>G (p.Phe334Val)

Gene: ABCB11 (ATP binding cassette subfamily B member 11; minus strand). Cytogenetic location: 2q31.1.
Variant type: single nucleotide variant.
Coding change: c.1000T>G on transcript NM_003742.4 (MANE Select); coding-DNA position 1000, T replaced by G.
Protein change: p.Phe334Val; replaces phenylalanine 334 with valine.
Molecular consequence: missense variant.
Genome position (GRCh38, 1-based): chr2:168,986,193, A>C on the plus strand (T>G on the coding strand, the complement: ABCB11 is on the minus strand). VCF-style: chr2-168986193-A-C. GRCh37 (hg19) VCF-style: chr2-169842703-A-C.
Other names: short protein forms F334V.
Identifiers: ClinVar variation 2632886 (VCV002632886.1), dbSNP rs2545431828, ClinGen allele CA349124272.